The following is an entry in ClinVar:

NM_153704.6(TMEM67):c.2635A>G (p.Lys879Glu)

Gene: TMEM67 (transmembrane protein 67; plus strand). Cytogenetic location: 8q22.1.
Variant type: single nucleotide variant.
Coding change: c.2635A>G on transcript NM_153704.6 (MANE Select); coding-DNA position 2635, A replaced by G.
Protein change: p.Lys879Glu; replaces lysine 879 with glutamic acid.
Molecular consequence: missense variant. On other transcripts: non-coding transcript variant (1).
Genome position (GRCh38, 1-based): chr8:93,809,135, A>G. VCF-style: chr8-93809135-A-G. GRCh37 (hg19) VCF-style: chr8-94821363-A-G.
Other names: c.2392A>G, p.Lys798Glu (NM_001142301.1); short protein forms K798E, K879E.
Identifiers: ClinVar variation 2949666 (VCV002949666.3), dbSNP rs2536947508, ClinGen allele CA371699338.
Genomic context (GRCh38, chr8:93,809,135, plus strand): 5'-CTACTGAGTTCATCAGCAAGTACTTTTGAGCAGAGTATAAAAGCATATCATATGATGAAT[A>G]AATTTCTTGGCTCCTTCATTGACCATGTATGTATGTCAACATTTATATTTAAGCTGGGAT-3'
Protein context (NP_714915.3, residues 869-889): QSIKAYHMMN[Lys879Glu]FLGSFIDHVH

ClinVar aggregate classification (germline): Uncertain significance (1 of 4 stars; one submission).

Conditions:
Joubert syndrome. Also called: CEREBELLOPARENCHYMAL DISORDER IV; JOUBERT-BOLTSHAUSER SYNDROME; Familial aplasia of the vermis. Identifiers: Orphanet 475, MedGen C5979921, MONDO:0018772.
Meckel-Gruber syndrome. Also called: DYSENCEPHALIA SPLANCHNOCYSTICA; GRUBER SYNDROME; Dysencephalia splachnocystica. Identifiers: Orphanet 564, MedGen C0265215, MONDO:0018921.

Submission:

Labcorp Genetics (formerly Invitae), Labcorp
Classification: Uncertain significance for Joubert syndrome; Meckel-Gruber syndrome. Last evaluated: 2023-09-28. Review status: criteria provided, single submitter. Criteria: Invitae Variant Classification Sherloc (09022015). Collection method: clinical testing. Allele origin: germline.
Comment: In summary, the available evidence is currently insufficient to determine the role of this variant in disease. Therefore, it has been classified as a Variant of Uncertain Significance. Advanced modeling of protein sequence and biophysical properties (such as structural, functional, and spatial information, amino acid conservation, physicochemical variation, residue mobility, and thermodynamic stability) performed at Invitae indicates that this missense variant is expected to disrupt TMEM67 protein function. This variant has not been reported in the literature in individuals affected with TMEM67-related conditions. This variant is not present in population databases (gnomAD no frequency). This sequence change replaces lysine, which is basic and polar, with glutamic acid, which is acidic and polar, at codon 879 of the TMEM67 protein (p.Lys879Glu).